The following is an entry in ClinVar:

NM_032578.4(MYPN):c.1407T>A (p.Tyr469Ter)

Gene: MYPN (myopalladin; plus strand). Cytogenetic location: 10q21.3.
Variant type: single nucleotide variant.
Coding change: c.1407T>A on transcript NM_032578.4 (MANE Select); coding-DNA position 1407, T replaced by A.
Protein change: p.Tyr469Ter; replaces tyrosine 469 with a stop codon.
Molecular consequence: nonsense. On other transcripts: non-coding transcript variant (2).
Genome position (GRCh38, 1-based): chr10:68,158,575, T>A. VCF-style: chr10-68158575-T-A. GRCh37 (hg19) VCF-style: chr10-69918332-T-A.
Other names: c.1407T>A, p.Tyr469Ter (NM_001256267.2); c.525T>A, p.Tyr175Ter (NM_001256268.2); short protein forms Y469*, Y175*.
Identifiers: ClinVar variation 1771933 (VCV001771933.2), dbSNP rs2495676595, ClinGen allele CA376834732.
Genomic context (GRCh38, chr10:68,158,575, plus strand): 5'-TCAGCTGGTTGTCTTTGAATGCAGAGTAAAAGGAGCTCCATCTCCTAAGGTTGAGTGGTA[T>A]AGAGAAGGGACTTTAATAGAAGATTCTCCAGATTTTAGGATTTTACAGAAAAGTAAGTTA-3'

ClinVar aggregate classification (germline): Pathogenic (1 of 4 stars; one submission).

Conditions:
Cardiovascular phenotype. Identifiers: MedGen CN230736.

Submission:

Ambry Genetics
Classification: Pathogenic for Cardiovascular phenotype. Last evaluated: 2022-04-19. Review status: criteria provided, single submitter. Criteria: Ambry Variant Classification Scheme 2023. Collection method: clinical testing. Allele origin: germline.
Comment: The p.Y469* pathogenic mutation (also known as c.1407T>A), located in coding exon 6 of the MYPN gene, results from a T to A substitution at nucleotide position 1407. This changes the amino acid from a tyrosine to a stop codon within coding exon 6. This variant is considered to be rare based on population cohorts in the Genome Aggregation Database (gnomAD). This alteration is expected to result in loss of function by premature protein truncation or nonsense-mediated mRNA decay. As such, this alteration is interpreted as a disease-causing mutation.